The following is an entry in ClinVar:

NM_000083.3(CLCN1):c.2662C>T (p.Arg888Trp)

Gene: CLCN1 (chloride voltage-gated channel 1; plus strand). Cytogenetic location: 7q34.
Variant type: single nucleotide variant.
Coding change: c.2662C>T on transcript NM_000083.3 (MANE Select); coding-DNA position 2662, C replaced by T.
Protein change: p.Arg888Trp; replaces arginine 888 with tryptophan.
Molecular consequence: missense variant. On other transcripts: non-coding transcript variant (1).
Genome position (GRCh38, 1-based): chr7:143,351,660, C>T. VCF-style: chr7-143351660-C-T. GRCh37 (hg19) VCF-style: chr7-143048753-C-T.
Other names: short protein forms R888W.
Identifiers: ClinVar variation 2558681 (VCV002558681.3), dbSNP rs781320829, ClinGen allele CA4537763.

ClinVar aggregate classification (germline): Uncertain significance. Review status: criteria provided, multiple submitters, no conflicts (2 of 4 stars). 2 submissions from 2 submitters: Uncertain significance (2). Last evaluated 2024-10-17.

Conditions:
Inborn genetic diseases. Identifiers: MedGen C0950123, MeSH D030342.
Congenital myotonia, autosomal dominant form (THD). Also called: THOMSEN DISEASE; Myotonia congenita autosomal dominant. Identifiers: Orphanet 614, MedGen C2936781, MONDO:0008055, OMIM 160800.
Congenital myotonia, autosomal recessive form. Also called: Becker Generalized Myotonia; myotonia congenita, autosomal recessive; BECKER DISEASE. Identifiers: Orphanet 614, MedGen C0751360, MONDO:0009715, OMIM 255700.

Allele frequency attached by ClinVar (database versions not stated): ExAC 0.00001; gnomAD exomes 0.00001; TOPMed 0.00002; gnomAD 0.00005.
gnomAD v4.1: 18 of 1,614,080 alleles (0.0011%); highest among the groups gnomAD compares: African/African-American, 0.0067%; no homozygotes.

Submissions (2):

Labcorp Genetics (formerly Invitae), Labcorp
Classification: Uncertain significance for Congenital myotonia, autosomal recessive form; Congenital myotonia, autosomal dominant form. Last evaluated: 2024-10-17. Review status: criteria provided, single submitter. Criteria: Invitae Variant Classification Sherloc (09022015). Collection method: clinical testing. Allele origin: germline.
Comment: This sequence change replaces arginine, which is basic and polar, with tryptophan, which is neutral and slightly polar, at codon 888 of the CLCN1 protein (p.Arg888Trp). This variant is present in population databases (rs781320829, gnomAD 0.008%). This variant has not been reported in the literature in individuals affected with CLCN1-related conditions. ClinVar contains an entry for this variant (Variation ID: 2558681). Invitae Evidence Modeling of protein sequence and biophysical properties (such as structural, functional, and spatial information, amino acid conservation, physicochemical variation, residue mobility, and thermodynamic stability) has been performed for this missense variant. However, the output from this modeling did not meet the statistical confidence thresholds required to predict the impact of this variant on CLCN1 protein function. In summary, the available evidence is currently insufficient to determine the role of this variant in disease. Therefore, it has been classified as a Variant of Uncertain Significance.

Ambry Genetics
Classification: Uncertain significance for Inborn genetic diseases. Last evaluated: 2023-05-02. Review status: criteria provided, single submitter. Criteria: Ambry Variant Classification Scheme 2023. Collection method: clinical testing. Allele origin: germline.